The following is an entry in ClinVar:

ClinVar aggregate classification (germline): Conflicting classifications of pathogenicity. Review status: criteria provided, conflicting classifications (1 of 4 stars). 12 submissions from 12 submitters: Pathogenic (8); Uncertain significance (1). 3 of the submissions do not count toward it. Last evaluated 2026-06-12.

Conditions:
COL4A5-related disorders.
COL4A5-related disorder. Also called: COL4A5-related condition.
X-linked Alport syndrome (ATS1). Also called: COL4A5-Related Nephropathy; NEPHROPATHY AND DEAFNESS, X-LINKED. Identifiers: Orphanet 63, Orphanet 88917, MedGen C4746986, MONDO:0010520, OMIM 301050.

Allele frequency attached by ClinVar (database versions not stated): ExAC below 0.00001.

Submissions (12):

Centre de Génétique Humaine, Institut de Pathologie Et de Génétique
Classification: Pathogenic for X-linked Alport syndrome. Last evaluated: 2026-06-12. Review status: criteria provided, single submitter. Criteria: ACMG Guidelines, 2015. Collection method: clinical testing. Allele origin: maternal, germline. Inheritance: X-linked dominant inheritance. Affected: yes. Observed: 4 variant alleles, 3 heterozygotes, 1 hemizygote. Clinical features observed: Microscopic hematuria (HP:0002907), Severe albuminuria (HP:0033066), Sensorineural hearing loss disorder (HP:0000407), Moderate albuminuria (HP:0012594), Stage 5 chronic kidney disease (HP:0003774). Segregation with disease observed.
Comment: Nonsense variant predicted to result in protein truncation or nonsense mediated decay in a gene for which loss-of-function is a known mechanism of disease (PVS1). The NanoLuc reporter system in vitro confirmed that this variant resulted in the appearance of a premature stop codon and the absence of collagen chain trimerization, PMID: 35243249 (PS3) This variant is rare: absent in gnomAD v4.1.0 database (PM2). Described in several patients with dominant X-linked AS in scientific litterature. ( PP5 strong). Cosegragation in a family analysed in our lab (PP1)

Genomic Medicine Center of Excellence, King Faisal Specialist Hospital and Research Centre
Classification: Uncertain significance for X-linked Alport syndrome. Last evaluated: 2025-09-10. Review status: criteria provided, single submitter. Criteria: ACMG Guidelines, 2015. Collection method: clinical testing. Allele origin: germline.

3billion
Classification: Pathogenic for X-linked Alport syndrome. Last evaluated: 2025-06-02. Review status: criteria provided, single submitter. Criteria: ACMG Guidelines, 2015. Collection method: clinical testing. Allele origin: germline. Affected: yes.
Comment: The variant is not observed in the gnomAD v4.1.0 dataset. Predicted Consequence/Location: Stop-gained (nonsense): predicted to result in a loss or disruption of normal protein function through nonsense-mediated decay (NMD) or protein truncation. Multiple pathogenic variants are reported downstream of the variant. The variant has been reported at least twice as pathogenic with clinical assertions and evidence for the classification (ClinVar ID: VCV000024367 /PMID: 8651296). Therefore, this variant is classified as Pathogenic according to the recommendation of ACMG/AMP guideline.

Blueprint Genetics
Classification: Pathogenic for COL4A5-related disorders. Last evaluated: 2024-05-17. Review status: criteria provided, single submitter. Criteria: ACMG Guidelines, 2015. Collection method: clinical testing. Allele origin: germline. Affected: yes. Observed: 4 variant alleles.

GeneDx
Classification: Pathogenic. Last evaluated: 2024-04-12. Review status: criteria provided, single submitter. Criteria: GeneDx Variant Classification Process June 2021. Collection method: clinical testing. Allele origin: germline. Affected: yes.
Comment: Nonsense variant predicted to result in protein truncation or nonsense mediated decay in a gene for which loss-of-function is a known mechanism of disease; Not observed at significant frequency in large population cohorts (gnomAD); This variant is associated with the following publications: (PMID: 36685964, 37100867, 37097554, 38433557, 25525159, 8738805, 8940267, 30577881, 33330536, 31328266, 10862091, 8651296, 19965530, YangX2023[Preprint], Priya2022[preprint], 38249544, 35243249)

Labcorp Genetics (formerly Invitae), Labcorp
Classification: Pathogenic. Last evaluated: 2023-12-21. Review status: criteria provided, single submitter. Criteria: Invitae Variant Classification Sherloc (09022015). Collection method: clinical testing. Allele origin: germline.
Comment: This sequence change creates a premature translational stop signal (p.Arg373*) in the COL4A5 gene. It is expected to result in an absent or disrupted protein product. Loss-of-function variants in COL4A5 are known to be pathogenic (PMID: 9195222, 10752524, 14514738, 24854265, 26809805). This variant is not present in population databases (gnomAD no frequency). This premature translational stop signal has been observed in individual(s) with a clinical diagnosis or clinical features of Alport syndrome (PMID: 8651296, 30577881). This variant is also known as 1319C>T, R373X. ClinVar contains an entry for this variant (Variation ID: 24367). For these reasons, this variant has been classified as Pathogenic.

Precision Medicine Center, Zhengzhou University
Classification: Pathogenic for X-linked Alport syndrome. Last evaluated: 2023-12-01. Review status: criteria provided, single submitter. Criteria: ACMG Guidelines, 2015. Collection method: clinical testing. Allele origin: maternal. Affected: yes.
Comment: PVS1,PM2_p,PP1

PreventionGenetics, part of Exact Sciences
Classification: Pathogenic for COL4A5-related condition. Last evaluated: 2023-01-20. Review status: criteria provided, single submitter. Criteria: ACMG Guidelines, 2015. Collection method: clinical testing. Allele origin: germline.
Comment: The COL4A5 c.1117C>T variant is predicted to result in premature protein termination (p.Arg373*). This variant was reported in individuals with Alport syndrome (Renieri et al 1996. PubMed ID: 8651296; Zhang X et al 2018. PubMed ID: 30577881). This variant has not been reported in a large population database, indicating this variant is rare. Nonsense variants in COL4A5 are expected to be pathogenic. This variant is interpreted as pathogenic.

Fulgent Genetics
Classification: Pathogenic for X-linked Alport syndrome. Last evaluated: 2022-04-22. Review status: criteria provided, single submitter. Criteria: ACMG Guidelines, 2015. Collection method: clinical testing. Allele origin: unknown.

Natera, Inc.
Classification: Pathogenic for X-linked Alport syndrome. Last evaluated: 2021-07-23. Review status: no assertion criteria provided. Collection method: clinical testing. Allele origin: germline. Not counted in ClinVar's aggregate classification.

Genome Diagnostics Laboratory, University Medical Center Utrecht
Classification: Pathogenic. Review status: no assertion criteria provided. Collection method: clinical testing. Allele origin: germline. Affected: yes. Study: VKGL Data-share Consensus. Not counted in ClinVar's aggregate classification.

Joint Genome Diagnostic Labs from Nijmegen and Maastricht, Radboudumc and MUMC+
Classification: Pathogenic. Review status: no assertion criteria provided. Collection method: clinical testing. Allele origin: germline. Affected: yes. Study: VKGL Data-share Consensus. Not counted in ClinVar's aggregate classification.

Literature cited by the submitters: PubMed 8651296 (cited by 4 submitters); PubMed 8738805 (cited by Centre de Génétique Humaine, Institut de Pathologie Et de Génétique); PubMed 8940267 (cited by Centre de Génétique Humaine, Institut de Pathologie Et de Génétique); PubMed 19965530 (cited by Centre de Génétique Humaine, Institut de Pathologie Et de Génétique); PubMed 28542346 (cited by Centre de Génétique Humaine, Institut de Pathologie Et de Génétique); PubMed 28884028 (cited by Centre de Génétique Humaine, Institut de Pathologie Et de Génétique); PubMed 30577881 (cited by Centre de Génétique Humaine, Institut de Pathologie Et de Génétique and Labcorp Genetics (formerly Invitae), Labcorp); PubMed 33330536 (cited by Centre de Génétique Humaine, Institut de Pathologie Et de Génétique); PubMed 36685964 (cited by Centre de Génétique Humaine, Institut de Pathologie Et de Génétique); PubMed 38433557 (cited by Centre de Génétique Humaine, Institut de Pathologie Et de Génétique); PubMed 42076904 (cited by Centre de Génétique Humaine, Institut de Pathologie Et de Génétique); PubMed 9195222 (cited by Labcorp Genetics (formerly Invitae), Labcorp); PubMed 10752524 (cited by Labcorp Genetics (formerly Invitae), Labcorp); PubMed 14514738 (cited by Labcorp Genetics (formerly Invitae), Labcorp); PubMed 24854265 (cited by Labcorp Genetics (formerly Invitae), Labcorp); PubMed 26809805 (cited by Labcorp Genetics (formerly Invitae), Labcorp).

NM_033380.3(COL4A5):c.1117C>T (p.Arg373Ter)

Gene: COL4A5 (collagen type IV alpha 5 chain; plus strand). Cytogenetic location: Xq22.3.
Variant type: single nucleotide variant.
Coding change: c.1117C>T on transcript NM_033380.3 (MANE Select); coding-DNA position 1117, C replaced by T.
Protein change: p.Arg373Ter; replaces arginine 373 with a stop codon.
Molecular consequence: nonsense.
Genome position (GRCh38, 1-based): chrX:108,586,699, C>T. VCF-style: chrX-108586699-C-T. GRCh37 (hg19) VCF-style: chrX-107829929-C-T.
Other names: p.(Arg373*); c.1117C>T, p.Arg373Ter (NM_000495.5); short protein forms R373*.
Identifiers: ClinVar variation 24367 (VCV000024367.26), dbSNP rs104886094, ClinGen allele CA258404.